The following is an entry in ClinVar:

NM_004370.6(COL12A1):c.5723C>T (p.Ser1908Leu)

Gene: COL12A1 (collagen type XII alpha 1 chain; minus strand). Cytogenetic location: 6q13.
Variant type: single nucleotide variant.
Coding change: c.5723C>T on transcript NM_004370.6 (MANE Select); coding-DNA position 5723, C replaced by T.
Protein change: p.Ser1908Leu; replaces serine 1908 with leucine.
Molecular consequence: missense variant.
Genome position (GRCh38, 1-based): chr6:75,133,364, G>A on the plus strand (C>T on the coding strand, the complement: COL12A1 is on the minus strand). VCF-style: chr6-75133364-G-A. GRCh37 (hg19) VCF-style: chr6-75843080-G-A.
Other names: c.2231C>T, p.Ser744Leu (NM_080645.3); short protein forms S1908L, S744L.
Identifiers: ClinVar variation 2170463 (VCV002170463.4), dbSNP rs1766408096, ClinGen allele CA364734094.
Genomic context (GRCh38, chr6:75,133,364, plus strand): 5'-GTATCTGATGTGCGTCCCCCATCACCTTCAGTATAAACGGGAACTACAGTCACAGTGTAT[G>A]AGGTATCTGGCTGCAGATTCCTAAGAATGGCATAATTGGTATTCCCGGGGATTGGTACCT-3'
Protein context (NP_004361.3, residues 1898-1918): AILRNLQPDT[Ser1908Leu]YTVTVVPVYT

ClinVar aggregate classification (germline): Uncertain significance (1 of 4 stars; one submission).

Conditions:
Ullrich congenital muscular dystrophy 2 (UCMD2). Identifiers: Orphanet 75840, MedGen C4225314, MONDO:0014654, OMIM 616470.
Bethlem myopathy 2 (BTHLM2). Identifiers: Orphanet 536516, Orphanet 610, MedGen C4225313, MONDO:0034022, OMIM 616471.

Allele frequency attached by ClinVar (database versions not stated): gnomAD exomes below 0.00001.
gnomAD v4.1: 7 of 1,613,008 alleles (0.00043%); highest among the groups gnomAD compares: African/African-American, 0.004%; no homozygotes.

Submission:

Labcorp Genetics (formerly Invitae), Labcorp
Classification: Uncertain significance for Bethlem myopathy 2; Ullrich congenital muscular dystrophy 2. Last evaluated: 2022-09-09. Review status: criteria provided, single submitter. Criteria: Invitae Variant Classification Sherloc (09022015). Collection method: clinical testing. Allele origin: germline.
Comment: In summary, the available evidence is currently insufficient to determine the role of this variant in disease. Therefore, it has been classified as a Variant of Uncertain Significance. Advanced modeling of protein sequence and biophysical properties (such as structural, functional, and spatial information, amino acid conservation, physicochemical variation, residue mobility, and thermodynamic stability) performed at Invitae indicates that this missense variant is not expected to disrupt COL12A1 protein function. This variant has not been reported in the literature in individuals affected with COL12A1-related conditions. This variant is not present in population databases (gnomAD no frequency). This sequence change replaces serine, which is neutral and polar, with leucine, which is neutral and non-polar, at codon 1908 of the COL12A1 protein (p.Ser1908Leu).